The following is an entry in ClinVar:

ClinVar aggregate classification (germline): Uncertain significance (1 of 4 stars; one submission).

Submission:

GeneDx
Classification: Uncertain significance. Last evaluated: 2023-08-07. Review status: criteria provided, single submitter. Criteria: GeneDx Variant Classification Process June 2021. Collection method: clinical testing. Allele origin: germline. Affected: yes.
Comment: Not observed at significant frequency in large population cohorts (gnomAD); In silico analysis supports that this missense variant has a deleterious effect on protein structure/function; Has not been previously published as pathogenic or benign to our knowledge

NM_004667.6(HERC2):c.3854C>T (p.Pro1285Leu)

Gene: HERC2 (HECT and RLD domain containing E3 ubiquitin protein ligase 2; minus strand). Cytogenetic location: 15q13.1.
Variant type: single nucleotide variant.
Coding change: c.3854C>T on transcript NM_004667.6 (MANE Select); coding-DNA position 3854, C replaced by T.
Protein change: p.Pro1285Leu; replaces proline 1285 with leucine.
Molecular consequence: missense variant.
Genome position (GRCh38, 1-based): chr15:28,237,112, G>A on the plus strand (C>T on the coding strand, the complement: HERC2 is on the minus strand). VCF-style: chr15-28237112-G-A. GRCh37 (hg19) VCF-style: chr15-28482258-G-A.
Other names: short protein forms P1285L.
Identifiers: ClinVar variation 3361756 (VCV003361756.1).
Genomic context (GRCh38, chr15:28,237,112, plus strand): 5'-GTGTCTATCAGAGGTGAAGAGAGACTCCCCAGATCTGGTATGGTGACGATTTCTTGGTCA[G>A]GCTGGAAAAATAAATTTCATCATCAATCTGAGGAAACAGAATTAATTAAAAACATAAAAC-3'
Protein context (NP_004658.3, residues 1275-1295): HAFCVGQYLE[Pro1285Leu]DQEIVTIPDL